The following is an entry in ClinVar:

NM_006922.4(SCN3A):c.5800G>A (p.Gly1934Arg)

Gene: SCN3A (sodium voltage-gated channel alpha subunit 3; minus strand). Cytogenetic location: 2q24.3.
Variant type: single nucleotide variant.
Coding change: c.5800G>A on transcript NM_006922.4 (MANE Select); coding-DNA position 5800, G replaced by A.
Protein change: p.Gly1934Arg; replaces glycine 1934 with arginine.
Molecular consequence: missense variant.
Genome position (GRCh38, 1-based): chr2:165,090,353, C>T on the plus strand (G>A on the coding strand, the complement: SCN3A is on the minus strand). VCF-style: chr2-165090353-C-T. GRCh37 (hg19) VCF-style: chr2-165946863-C-T.
Other names: c.5653G>A, p.Gly1885Arg (NM_001081676.2, NM_001081677.2); short protein forms G1885R, G1934R.
Identifiers: ClinVar variation 1675800 (VCV001675800.33), dbSNP rs2105616547, ClinGen allele CA349009597.
Genomic context (GRCh38, chr2:165,090,353, plus strand): 5'-TGGAGTTCCCATTTAGTTTGTCAATAATCATGTCTTGTTTTATAGGTAAGTCAATCCTCC[C>T]TTTAATTGCCTCTTTGTTATAGTTACTTGATATATTTTTTAACCTTTGCTTTAAAAGATA-3'
Protein context (NP_008853.3, residues 1924-1944): SSNYNKEAIK[Gly1934Arg]RIDLPIKQDM

ClinVar aggregate classification (germline): Uncertain significance (1 of 4 stars; one submission).

Submission:

CeGaT Center for Human Genetics Tuebingen
Classification: Uncertain significance. Last evaluated: 2022-03-01. Review status: criteria provided, single submitter. Criteria: CeGaT Center For Human Genetics Tuebingen Variant Classification Criteria Version 2. Collection method: clinical testing. Allele origin: germline. Affected: yes. Observed: 1 variant allele.
Comment: SCN3A: PM2, PP2